The following is an entry in ClinVar:

NM_005502.4(ABCA1):c.1379C>T (p.Ala460Val)

Gene: ABCA1 (ATP binding cassette subfamily A member 1; minus strand). Cytogenetic location: 9q31.1.
Variant type: single nucleotide variant.
Coding change: c.1379C>T on transcript NM_005502.4 (MANE Select); coding-DNA position 1379, C replaced by T.
Protein change: p.Ala460Val; replaces alanine 460 with valine.
Molecular consequence: missense variant.
Genome position (GRCh38, 1-based): chr9:104,832,704, G>A on the plus strand (C>T on the coding strand, the complement: ABCA1 is on the minus strand). VCF-style: chr9-104832704-G-A. GRCh37 (hg19) VCF-style: chr9-107594985-G-A.
Other names: short protein forms A460V.
Identifiers: ClinVar variation 2587846 (VCV002587846.2), dbSNP rs2538183007, ClinGen allele CA374325859.

ClinVar aggregate classification (germline): Uncertain significance (1 of 4 stars; one submission).

Conditions:
Cardiovascular phenotype. Identifiers: MedGen CN230736.

Allele frequency attached by ClinVar (database versions not stated): gnomAD exomes below 0.00001.
gnomAD v4.1: 1 of 1,614,180 alleles (0.000062%); highest among the groups gnomAD compares: Non-Finnish European, 0.000085%; no homozygotes.

Submission:

Ambry Genetics
Classification: Uncertain significance for Cardiovascular phenotype. Last evaluated: 2023-07-27. Review status: criteria provided, single submitter. Criteria: Ambry Variant Classification Scheme 2023. Collection method: clinical testing. Allele origin: germline.
Comment: The p.A460V variant (also known as c.1379C>T), located in coding exon 11 of the ABCA1 gene, results from a C to T substitution at nucleotide position 1379. The alanine at codon 460 is replaced by valine, an amino acid with similar properties. This amino acid position is conserved. In addition, this alteration is predicted to be tolerated by in silico analysis. Since supporting evidence is limited at this time, the clinical significance of this alteration remains unclear.